The following is an entry in ClinVar:

ClinVar aggregate classification (germline): Uncertain significance (1 of 4 stars; one submission).

Conditions:
Hereditary cancer-predisposing syndrome. Also called: Neoplastic Syndromes, Hereditary; Tumor predisposition; Hereditary Cancer Syndrome; Hereditary neoplastic syndrome. Identifiers: Orphanet 140162, MedGen C0027672, MeSH D009386, MONDO:0015356.

Submission:

Ambry Genetics
Classification: Uncertain significance for Hereditary cancer-predisposing syndrome. Last evaluated: 2024-07-15. Review status: criteria provided, single submitter. Criteria: Ambry Variant Classification Scheme 2023. Collection method: clinical testing. Allele origin: germline.
Comment: The p.P1548A variant (also known as c.4642C>G), located in coding exon 36 of the POLE gene, results from a C to G substitution at nucleotide position 4642. The proline at codon 1548 is replaced by alanine, an amino acid with highly similar properties. This amino acid position is conserved. In addition, this alteration is predicted to be tolerated by in silico analysis. Based on the available evidence, the clinical significance of this variant remains unclear.

NM_006231.4(POLE):c.4642C>G (p.Pro1548Ala)

Gene: POLE (DNA polymerase epsilon, catalytic subunit; minus strand). Cytogenetic location: 12q24.33.
Variant type: single nucleotide variant.
Coding change: c.4642C>G on transcript NM_006231.4 (MANE Select); coding-DNA position 4642, C replaced by G.
Protein change: p.Pro1548Ala; replaces proline 1548 with alanine.
Molecular consequence: missense variant.
Genome position (GRCh38, 1-based): chr12:132,642,906, G>C on the plus strand (C>G on the coding strand, the complement: POLE is on the minus strand). VCF-style: chr12-132642906-G-C. GRCh37 (hg19) VCF-style: chr12-133219492-G-C.
Other names: short protein forms P1548A.
Identifiers: ClinVar variation 3422114 (VCV003422114.1).